The following is an entry in ClinVar:

ClinVar aggregate classification (germline): Uncertain significance. Review status: criteria provided, multiple submitters, no conflicts (2 of 4 stars). 2 submissions from 2 submitters: Uncertain significance (2). Last evaluated 2025-12-24.

Conditions:
Inborn genetic diseases. Identifiers: MedGen C0950123, MeSH D030342.

Allele frequency attached by ClinVar (database versions not stated): TOPMed 0.00006; ESP Exome Variant Server 0.00008.
gnomAD v4.1: 121 of 1,601,318 alleles (0.0076%); highest among the groups gnomAD compares: Middle Eastern, 0.017%; no homozygotes.

Submissions (2):

Labcorp Genetics (formerly Invitae), Labcorp
Classification: Uncertain significance. Last evaluated: 2025-12-24. Review status: criteria provided, single submitter. Criteria: Invitae Variant Classification Sherloc (09022015). Collection method: clinical testing. Allele origin: germline.
Comment: This sequence change replaces aspartic acid, which is acidic and polar, with glycine, which is neutral and non-polar, at codon 444 of the TNNI3K protein (p.Asp444Gly). This variant is present in population databases (rs200397497, gnomAD 0.01%). This variant has not been reported in the literature in individuals affected with TNNI3K-related conditions. ClinVar contains an entry for this variant (Variation ID: 1473084). Invitae Evidence Modeling of protein sequence and biophysical properties (such as structural, functional, and spatial information, amino acid conservation, physicochemical variation, residue mobility, and thermodynamic stability) indicates that this missense variant is not expected to disrupt TNNI3K protein function with a negative predictive value of 80%. In summary, the available evidence is currently insufficient to determine the role of this variant in disease. Therefore, it has been classified as a Variant of Uncertain Significance.

Ambry Genetics
Classification: Uncertain significance for Inborn genetic diseases. Last evaluated: 2025-09-01. Review status: criteria provided, single submitter. Criteria: Ambry Variant Classification Scheme 2023. Collection method: clinical testing. Allele origin: germline.

NM_015978.3(TNNI3K):c.1331A>G (p.Asp444Gly)

Genes: FPGT-TNNI3K (FPGT-TNNI3K readthrough; plus strand), TNNI3K (TNNI3 interacting kinase; plus strand). Cytogenetic location: 1p31.1.
Variant type: single nucleotide variant.
Coding change: c.1331A>G on transcript NM_015978.3 (MANE Select); coding-DNA position 1331, A replaced by G.
Protein change: p.Asp444Gly; replaces aspartic acid 444 with glycine.
Molecular consequence: missense variant.
Genome position (GRCh38, 1-based): chr1:74,369,031, A>G. VCF-style: chr1-74369031-A-G. GRCh37 (hg19) VCF-style: chr1-74834715-A-G.
Other names: c.1634A>G, p.Asp545Gly (NM_001112808.3, NM_001199327.2); c.1331A>G (NM_015978.2); short protein forms D545G, D444G.
Identifiers: ClinVar variation 1473084 (VCV001473084.9), dbSNP rs200397497, ClinGen allele CA909259.